The following is an entry in ClinVar:

NM_032806.6(POMGNT2):c.499G>A (p.Val167Ile)

Gene: POMGNT2 (protein O-linked mannose N-acetylglucosaminyltransferase 2 (beta 1,4-); minus strand). Cytogenetic location: 3p22.1.
Variant type: single nucleotide variant.
Coding change: c.499G>A on transcript NM_032806.6 (MANE Select); coding-DNA position 499, G replaced by A.
Protein change: p.Val167Ile; replaces valine 167 with isoleucine.
Molecular consequence: missense variant.
Genome position (GRCh38, 1-based): chr3:43,080,933, C>T on the plus strand (G>A on the coding strand, the complement: POMGNT2 is on the minus strand). VCF-style: chr3-43080933-C-T. GRCh37 (hg19) VCF-style: chr3-43122425-C-T.
Other names: short protein forms V167I.
Identifiers: ClinVar variation 565775 (VCV000565775.11), dbSNP rs201333414, ClinGen allele CA2340055.

ClinVar aggregate classification (germline): Conflicting classifications of pathogenicity. Review status: criteria provided, conflicting classifications (1 of 4 stars). 2 submissions from 2 submitters: Uncertain significance (1); Likely benign (1). Last evaluated 2025-11-03.

Conditions:
Muscular dystrophy-dystroglycanopathy (congenital with brain and eye anomalies), type a, 8 (MDDGA8). Also called: WALKER-WARBURG SYNDROME OR MUSCLE-EYE-BRAIN DISEASE, GTDC2-RELATED. Identifiers: Orphanet 899, MedGen C3553813, MONDO:0013904, OMIM 614830.

Allele frequency attached by ClinVar (database versions not stated): gnomAD 0.00007 and 0.00011; TOPMed 0.00007; gnomAD exomes 0.00009 and 0.00019; ExAC 0.00016; 1000 Genomes Project 30x 0.00031; 1000 Genomes Project 0.00040.

Submissions (2):

Labcorp Genetics (formerly Invitae), Labcorp
Classification: Likely benign for Muscular dystrophy-dystroglycanopathy (congenital with brain and eye anomalies), type a, 8. Last evaluated: 2025-11-03. Review status: criteria provided, single submitter. Criteria: Invitae Variant Classification Sherloc (09022015). Collection method: clinical testing. Allele origin: germline.

GeneDx
Classification: Uncertain significance. Last evaluated: 2024-03-12. Review status: criteria provided, single submitter. Criteria: GeneDx Variant Classification Process June 2021. Collection method: clinical testing. Allele origin: germline. Affected: yes.
Comment: In silico analysis supports that this missense variant does not alter protein structure/function; Has not been previously published as pathogenic or benign to our knowledge